The following is an entry in ClinVar:

ClinVar aggregate classification (germline): Likely benign. Review status: criteria provided, multiple submitters, no conflicts (2 of 4 stars). 2 submissions from 2 submitters: Likely benign (2). Last evaluated 2025-04-02.

Conditions:
NBEAL2-related disorder. Also called: NBEAL2-related condition.

gnomAD v4.1: 425 of 1,559,732 alleles (0.027%); highest among the groups gnomAD compares: African/African-American, 0.079%; 2 homozygotes.

Submissions (2):

PreventionGenetics, part of Exact Sciences
Classification: Likely benign for NBEAL2-related condition. Last evaluated: 2025-04-02. Review status: criteria provided, single submitter. Criteria: ACMG Guidelines, 2015. Collection method: clinical testing. Allele origin: germline.
Comment: This variant is classified as likely benign based on ACMG/AMP sequence variant interpretation guidelines (Richards et al. 2015 PMID: 25741868, with internal and published modifications).

Blueprint Genetics
Classification: Likely benign. Last evaluated: 2024-09-24. Review status: criteria provided, single submitter. Criteria: ACMG Guidelines, 2015. Collection method: clinical testing. Allele origin: germline.

NM_015175.3(NBEAL2):c.1531C>T (p.Arg511Cys)

Gene: NBEAL2 (neurobeachin like 2; plus strand). Cytogenetic location: 3p21.31.
Variant type: single nucleotide variant.
Coding change: c.1531C>T on transcript NM_015175.3 (MANE Select); coding-DNA position 1531, C replaced by T.
Protein change: p.Arg511Cys; replaces arginine 511 with cysteine.
Molecular consequence: missense variant.
Genome position (GRCh38, 1-based): chr3:46,995,266, C>T. VCF-style: chr3-46995266-C-T. GRCh37 (hg19) VCF-style: chr3-47036756-C-T.
Other names: c.1429C>T, p.Arg477Cys (NM_001365116.2); short protein forms R477C, R511C.
Identifiers: ClinVar variation 4962146 (VCV004962146.2).